The following is an entry in ClinVar:

ClinVar aggregate classification (germline): Benign. Review status: criteria provided, multiple submitters, no conflicts (2 of 4 stars). 7 submissions from 7 submitters: Benign (7). Last evaluated 2026-02-02.

Conditions:
Congenital myasthenic syndrome 8. Also called: Myasthenic syndrome, congenital, 8, with pre- and postsynaptic defects; MYASTHENIC SYNDROME, CONGENITAL, DUE TO AGRIN DEFICIENCY. Identifiers: Orphanet 590, MedGen C3808739, MONDO:0014052, OMIM 615120.

Allele frequency attached by ClinVar (database versions not stated): gnomAD 0.02946 and 0.02922; gnomAD exomes 0.02976; ExAC 0.03020; ESP Exome Variant Server 0.03107; TOPMed 0.02689; 1000 Genomes Project 30x 0.01780; 1000 Genomes Project 0.01837.
gnomAD v4.1: 60,098 of 1,612,466 alleles (3.7%); highest among the groups gnomAD compares: Non-Finnish European, 4.3%; 1,296 homozygotes.

Submissions (7):

Labcorp Genetics (formerly Invitae), Labcorp
Classification: Benign for Congenital myasthenic syndrome 8. Last evaluated: 2026-02-02. Review status: criteria provided, single submitter. Criteria: Invitae Variant Classification Sherloc (09022015). Collection method: clinical testing. Allele origin: germline.

Athena Diagnostics
Classification: Benign. Last evaluated: 2025-06-02. Review status: criteria provided, single submitter. Criteria: Athena Diagnostics Criteria. Collection method: clinical testing. Allele origin: unknown.
Comment: The frequency of this variant in the general population is higher than would generally be expected for pathogenic variants in this gene.

Mayo Clinic Laboratories, Mayo Clinic
Classification: Benign. Last evaluated: 2022-02-04. Review status: criteria provided, single submitter. Criteria: ACMG Guidelines, 2015. Collection method: clinical testing. Allele origin: germline. Observed: 26 variant alleles.
Comment: BS1, BS2, BP4

GeneDx
Classification: Benign. Last evaluated: 2016-05-26. Review status: criteria provided, single submitter. Criteria: GeneDx Variant Classification (06012015). Collection method: clinical testing. Allele origin: germline. Affected: yes.
Comment: This variant is considered likely benign or benign based on one or more of the following criteria: it is a conservative change, it occurs at a poorly conserved position in the protein, it is predicted to be benign by multiple in silico algorithms, and/or has population frequency not consistent with disease.

Genetic Services Laboratory, University of Chicago
Classification: Benign for AllHighlyPenetrant. Last evaluated: 2013-08-15. Review status: criteria provided, single submitter. Criteria: ACMG Guidelines, 2007. Collection method: clinical testing. Allele origin: germline. Inheritance: Autosomal recessive inheritance.

Breakthrough Genomics
Classification: Benign. Review status: criteria provided, single submitter. Criteria: ACMG Guidelines, 2015. Collection method: not provided. Allele origin: germline. Inheritance: Autosomal recessive inheritance. Affected: yes.

PreventionGenetics, part of Exact Sciences
Classification: Benign. Review status: criteria provided, single submitter. Criteria: ACMG Guidelines, 2015. Collection method: clinical testing. Allele origin: germline.

Literature cited by the submitters: PubMed 26257771 (cited by Athena Diagnostics); PubMed 26744305 (cited by Athena Diagnostics).

NM_198576.4(AGRN):c.2183A>T (p.Glu728Val)

Gene: AGRN (agrin; plus strand). Cytogenetic location: 1p36.33.
Variant type: single nucleotide variant.
Coding change: c.2183A>T on transcript NM_198576.4 (MANE Select); coding-DNA position 2183, A replaced by T.
Protein change: p.Glu728Val; replaces glutamic acid 728 with valine.
Molecular consequence: missense variant.
Genome position (GRCh38, 1-based): chr1:1,044,368, A>T. VCF-style: chr1-1044368-A-T. GRCh37 (hg19) VCF-style: chr1-979748-A-T.
Other names: p.Glu728Val; c.2183A>T (LRG_198t1); c.2183A>T, p.Glu728Val (NM_001305275.2); c.1868A>T, p.Glu623Val (NM_001364727.2); short protein forms E728V, E623V.
Identifiers: ClinVar variation 128294 (VCV000128294.20), dbSNP rs113288277, ClinGen allele CA151617.